The following is an entry in ClinVar:

NM_000737.5(CGB3):c.378C>T (p.His126=)

Gene: CGB3 (chorionic gonadotropin subunit beta 3; minus strand). Cytogenetic location: 19q13.33.
Variant type: single nucleotide variant.
Coding change: c.378C>T on transcript NM_000737.5 (MANE Select); coding-DNA position 378, C replaced by T.
Protein change: p.His126=; no amino-acid change (histidine 126 retained).
Molecular consequence: synonymous variant.
Genome position (GRCh38, 1-based): chr19:49,023,006, G>A on the plus strand (C>T on the coding strand, the complement: CGB3 is on the minus strand). VCF-style: chr19-49023006-G-A. GRCh37 (hg19) VCF-style: chr19-49526263-G-A.
Identifiers: ClinVar variation 2650229 (VCV002650229.24), dbSNP rs2039635415, ClinGen allele CA508277595.

ClinVar aggregate classification (germline): Likely benign (1 of 4 stars; one submission).

Submission:

CeGaT Center for Human Genetics Tuebingen
Classification: Likely benign. Last evaluated: 2023-01-01. Review status: criteria provided, single submitter. Criteria: CeGaT Center For Human Genetics Tuebingen Variant Classification Criteria Version 2. Collection method: clinical testing. Allele origin: germline. Affected: yes. Observed: 1 variant allele.
Comment: CGB3: PM2:Supporting, BP4, BP7